The following is an entry in ClinVar:

ClinVar aggregate classification (germline): Uncertain significance. Review status: criteria provided, multiple submitters, no conflicts (2 of 4 stars). 2 submissions from 2 submitters: Uncertain significance (2). Last evaluated 2022-08-09.

Conditions:
Lung disease, immunodeficiency, and chromosome breakage syndrome;. Also called: Lung disease, immunodeficiency, and chromosome breakage syndrome. Identifiers: MedGen C4310653, MONDO:0014984, OMIM 617241.

Allele frequency attached by ClinVar (database versions not stated): gnomAD exomes below 0.00001; gnomAD 0.00001.
gnomAD v4.1: 6 of 1,614,018 alleles (0.00037%); highest among the groups gnomAD compares: East Asian, 0.0022%; no homozygotes.

Submissions (2):

Labcorp Genetics (formerly Invitae), Labcorp
Classification: Uncertain significance. Last evaluated: 2022-08-09. Review status: criteria provided, single submitter. Criteria: Invitae Variant Classification Sherloc (09022015). Collection method: clinical testing. Allele origin: germline.
Comment: This sequence change replaces isoleucine, which is neutral and non-polar, with valine, which is neutral and non-polar, at codon 193 of the NSMCE3 protein (p.Ile193Val). This variant is present in population databases (no rsID available, gnomAD 0.0009%). This variant has not been reported in the literature in individuals affected with NSMCE3-related conditions. ClinVar contains an entry for this variant (Variation ID: 1364083). Algorithms developed to predict the effect of missense changes on protein structure and function output the following: SIFT: "Tolerated"; PolyPhen-2: "Benign"; Align-GVGD: "Class C0". The valine amino acid residue is found in multiple mammalian species, which suggests that this missense change does not adversely affect protein function. In summary, the available evidence is currently insufficient to determine the role of this variant in disease. Therefore, it has been classified as a Variant of Uncertain Significance.

Fulgent Genetics
Classification: Uncertain significance for Lung disease, immunodeficiency, and chromosome breakage syndrome;. Last evaluated: 2021-07-28. Review status: criteria provided, single submitter. Criteria: ACMG Guidelines, 2015. Collection method: clinical testing. Allele origin: unknown.

NM_138704.4(NSMCE3):c.577A>G (p.Ile193Val)

Genes: ENTREP2 (endosomal transmembrane epsin interactor 2; minus strand), NSMCE3 (NSE3 homolog, SMC5-SMC6 complex component; minus strand). Cytogenetic location: 15q13.1.
Variant type: single nucleotide variant.
Coding change: c.577A>G on transcript NM_138704.4 (MANE Select); coding-DNA position 577, A replaced by G.
Protein change: p.Ile193Val; replaces isoleucine 193 with valine.
Molecular consequence: missense variant. On other transcripts: intron variant (5).
Genome position (GRCh38, 1-based): chr15:29,269,129, T>C on the plus strand (A>G on the coding strand, the complement: NSMCE3 is on the minus strand). VCF-style: chr15-29269129-T-C. GRCh37 (hg19) VCF-style: chr15-29561333-T-C.
Other names: c.-12-16651A>G (NM_001387217.1, NM_001387215.1, NM_001387216.1); c.277-16651A>G (NM_001387214.1, NM_015307.2); short protein forms I193V.
Identifiers: ClinVar variation 1364083 (VCV001364083.6), dbSNP rs1331055673, ClinGen allele CA391483951.
Genomic context (GRCh38, chr15:29,269,129, plus strand): 5'-GCTTCTTGGTGGGGTAGACCCCTAAGCGCCGCAGAAAGTCCCAGGCTTCAGTTTCCTTGA[T>C]GGTGTTGCCCTTCATAAAGATGAGCCCTAAGACGATCATCAGGAGGCCCGTAGTGGGCGT-3'
Protein context (NP_619649.1, residues 183-203): LGLIFMKGNT[Ile193Val]KETEAWDFLR